The following is an entry in ClinVar:

ClinVar aggregate classification (germline): Pathogenic (1 of 4 stars; one submission).

Conditions:
Fabry disease. Also called: ALPHA-GALACTOSIDASE A DEFICIENCY; ANDERSON-FABRY DISEASE; CERAMIDE TRIHEXOSIDASE DEFICIENCY; GLA DEFICIENCY; HEREDITARY DYSTOPIC LIPIDOSIS; Angiokeratoma corporis diffusum. Identifiers: Orphanet 324, MedGen C0002986, MONDO:0010526, OMIM 301500, HP:0001071. Disease mechanism: Fabry disease is due to inactivating mutations in the X-linked GLA gene resulting in deficiency of the enzyme Alpha Galactosidase-A., loss of function.

Submission:

Genomenon, Inc
Classification: Pathogenic for Fabry disease. Last evaluated: 2026-09-08. Review status: criteria provided, single submitter. Criteria: Genomenon Sequence Variant Interpretation Standards - Updated. Collection method: curation. Allele origin: germline. Affected: yes.
Comment: GLA p.Trp349LeufsTer26 (c.1043_1044insG) is a frameshift variant that is predicted to introduce a premature termination codon and result in a truncated or absent protein product. This variant has been observed in at least one proband with clinical features consistent with Fabry disease (PMID:12175777). It is absent or not present at a significant frequency in gnomAD. In conclusion, we classify GLA p.Trp349LeufsTer26 (c.1043_1044insG) as a pathogenic variant.

Literature cited by the submitters: PubMed 12175777.

NM_000169.3(GLA):c.1043_1044insG (p.Trp349fs)

Genes: GLA (galactosidase alpha; minus strand), RPL36A-HNRNPH2 (RPL36A-HNRNPH2 readthrough; plus strand). Cytogenetic location: Xq22.1.
Variant type: Insertion.
Coding change: c.1043_1044insG on transcript NM_000169.3 (MANE Select); coding-DNA positions 1043 to 1044, G inserted.
Protein change: p.Trp349fs; shifts the reading frame from tryptophan 349.
Molecular consequence: frameshift variant. On other transcripts: non-coding transcript variant (3), intron variant (2).
Genome position: GRCh38 VCF-style: chrX-101398055-G-GC. GRCh37 (hg19) VCF-style: chrX-100653043-G-GC.
Other names: c.1166_1167insG, p.Trp390fs (NM_001406747.1); c.300+2598_300+2599insC (NM_001199973.2); c.177+6233_177+6234insC (NM_001199974.2); short protein forms W349fs, W390fs.
Identifiers: ClinVar variation 4087044 (VCV004087044.2).